The following is an entry in ClinVar:

NM_000090.4(COL3A1):c.3437del (p.Gly1146fs)

Gene: COL3A1 (collagen type III alpha 1 chain; plus strand). Cytogenetic location: 2q32.2.
Variant type: Deletion.
Coding change: c.3437del on transcript NM_000090.4 (MANE Select); coding-DNA position 3437, one base deleted (G; older notation c.3437delG).
Protein change: p.Gly1146fs; shifts the reading frame from glycine 1146.
Molecular consequence: frameshift variant.
Genome position (GRCh38, 1-based): chr2:189,008,054, G deleted; the last of 2 consecutive G bases (chr2:189,008,053-189,008,054); deleting either gives the same sequence. VCF-style (leftmost placement, unchanged base first): chr2-189008052-TG-T. GRCh37 (hg19) VCF-style: chr2-189872778-TG-T.
Other names: short protein forms G1146fs.
Identifiers: ClinVar variation 2718221 (VCV002718221.4), dbSNP rs2469163629, ClinGen allele CA2697551455.

ClinVar aggregate classification (germline): Pathogenic. Review status: criteria provided, multiple submitters, no conflicts (2 of 4 stars). 2 submissions from 2 submitters: Pathogenic (2). Last evaluated 2024-07-29.

Conditions:
Familial thoracic aortic aneurysm and aortic dissection (TAAD). Also called: Thoracic aortic aneurysms and dissections. Identifiers: Orphanet 91387, MedGen C4707243, MONDO:0019625.
Ehlers-Danlos syndrome, type 4 (EDSVASC). Also called: Ehlers-Danlos Syndrome Type IV; Ehlers-Danlos syndrome vascular type; Ehlers Danlos syndrome, ecchymotic type; Ehlers Danlos syndrome, arterial type; Ehlers Danlos syndrome, Sack-Barabas type. Identifiers: Orphanet 286, MedGen C0268338, MONDO:0017314, OMIM 130050.

Submissions (2):

Ambry Genetics
Classification: Pathogenic for Familial thoracic aortic aneurysm and aortic dissection. Last evaluated: 2024-07-29. Review status: criteria provided, single submitter. Criteria: Ambry Variant Classification Scheme 2023. Collection method: clinical testing. Allele origin: germline.
Comment: The c.3437delG pathogenic mutation, located in coding exon 47 of the COL3A1 gene, results from a deletion of one nucleotide at nucleotide position 3437, causing a translational frameshift with a predicted alternate stop codon (p.G1146Dfs*90). This variant is considered to be rare based on population cohorts in the Genome Aggregation Database (gnomAD). This alteration is expected to result in loss of function by premature protein truncation or nonsense-mediated mRNA decay. As such, this alteration is interpreted as a disease-causing mutation.

Labcorp Genetics (formerly Invitae), Labcorp
Classification: Pathogenic for Ehlers-Danlos syndrome, type 4. Last evaluated: 2024-07-01. Review status: criteria provided, single submitter. Criteria: Invitae Variant Classification Sherloc (09022015). Collection method: clinical testing. Allele origin: germline.
Comment: This sequence change creates a premature translational stop signal (p.Gly1146Aspfs*90) in the COL3A1 gene. It is expected to result in an absent or disrupted protein product. Loss-of-function variants in COL3A1 are known to be pathogenic (PMID: 24922459). This variant is not present in population databases (gnomAD no frequency). This variant has not been reported in the literature in individuals affected with COL3A1-related conditions. For these reasons, this variant has been classified as Pathogenic.

Literature cited by the submitters: PubMed 24922459 (cited by Labcorp Genetics (formerly Invitae), Labcorp).